The following is an entry in ClinVar:

NC_000002.11:g.(?_55615894)_(55616042_?)del

Gene: CCDC88A (coiled-coil domain containing 88A; minus strand). Cytogenetic location: 2p16.1.
Variant type: Deletion.
Identifiers: ClinVar variation 3247479 (VCV003247479.1).

ClinVar aggregate classification (germline): Pathogenic (1 of 4 stars; one submission).

Submission:

Labcorp Genetics (formerly Invitae), Labcorp
Classification: Pathogenic. Last evaluated: 2023-08-27. Review status: criteria provided, single submitter. Criteria: Invitae Variant Classification Sherloc (09022015). Collection method: clinical testing. Allele origin: unknown.
Comment: This variant is a gross deletion of the genomic region encompassing exon(s) 3 of the CCDC88A gene. This deletion is out-of-frame, and is expected to create a premature termination codon and result in an absent or disrupted protein product. Loss-of-function variants in CCDC88A are known to be pathogenic (PMID: 26917597, 30392057). This variant has not been reported in the literature in individuals affected with CCDC88A-related conditions. For these reasons, this variant has been classified as Pathogenic.

Literature cited by the submitters: PubMed 26917597; PubMed 30392057.